The following is an entry in ClinVar:

NM_001128431.4(SLC39A14):c.437G>A (p.Gly146Glu)

Gene: SLC39A14 (solute carrier family 39 member 14; plus strand). Cytogenetic location: 8p21.3.
Variant type: single nucleotide variant.
Coding change: c.437G>A on transcript NM_001128431.4 (MANE Select); coding-DNA position 437, G replaced by A.
Protein change: p.Gly146Glu; replaces glycine 146 with glutamic acid.
Molecular consequence: missense variant.
Genome position (GRCh38, 1-based): chr8:22,408,476, G>A. VCF-style: chr8-22408476-G-A. GRCh37 (hg19) VCF-style: chr8-22265989-G-A.
Other names: c.437G>A, p.Gly146Glu (NM_001135153.3, NM_001135154.3, NM_001351655.2 and 3 more transcripts); c.467G>A, p.Gly156Glu (NM_001351657.2, NM_001351658.2, NM_001351659.2); short protein forms G156E, G146E.
Identifiers: ClinVar variation 1971889 (VCV001971889.2), dbSNP rs958813430, ClinGen allele CA173867729.

ClinVar aggregate classification (germline): Uncertain significance (1 of 4 stars; one submission).

Allele frequency attached by ClinVar (database versions not stated): gnomAD exomes 0.00001.
gnomAD v4.1: 3 of 1,613,894 alleles (0.00019%); highest among the groups gnomAD compares: Admixed American, 0.0017%; no homozygotes.

Submission:

Labcorp Genetics (formerly Invitae), Labcorp
Classification: Uncertain significance. Last evaluated: 2022-08-02. Review status: criteria provided, single submitter. Criteria: Invitae Variant Classification Sherloc (09022015). Collection method: clinical testing. Allele origin: germline.
Comment: This sequence change replaces glycine, which is neutral and non-polar, with glutamic acid, which is acidic and polar, at codon 146 of the SLC39A14 protein (p.Gly146Glu). This variant is present in population databases (no rsID available, gnomAD 0.0009%). This variant has not been reported in the literature in individuals affected with SLC39A14-related conditions. Algorithms developed to predict the effect of missense changes on protein structure and function (SIFT, PolyPhen-2, Align-GVGD) all suggest that this variant is likely to be tolerated. In summary, the available evidence is currently insufficient to determine the role of this variant in disease. Therefore, it has been classified as a Variant of Uncertain Significance.